The following is an entry in ClinVar:

NM_001350451.2(RBFOX3):c.166G>C (p.Glu56Gln)

Gene: RBFOX3 (RNA binding fox-1 homolog 3; minus strand). Cytogenetic location: 17q25.3.
Variant type: single nucleotide variant.
Coding change: c.166G>C on transcript NM_001350451.2 (MANE Select); coding-DNA position 166, G replaced by C.
Protein change: p.Glu56Gln; replaces glutamic acid 56 with glutamine.
Molecular consequence: missense variant.
Genome position (GRCh38, 1-based): chr17:79,115,550, C>G on the plus strand (G>C on the coding strand, the complement: RBFOX3 is on the minus strand). VCF-style: chr17-79115550-C-G. GRCh37 (hg19) VCF-style: chr17-77111632-C-G.
Other names: c.166G>C, p.Glu56Gln (NM_001385816.1, NM_001385817.1, NM_001385818.1 and 43 more transcripts); short protein forms E56Q.
Identifiers: ClinVar variation 3691582 (VCV003691582.2).

ClinVar aggregate classification (germline): Uncertain significance (1 of 4 stars; one submission).

Conditions:
Idiopathic generalized epilepsy. Also called: EIG; Generalised epilepsy. Identifiers: MedGen C0270850, MONDO:0005579, OMIM 600669.

Submission:

Labcorp Genetics (formerly Invitae), Labcorp
Classification: Uncertain significance for Idiopathic generalized epilepsy. Last evaluated: 2024-11-05. Review status: criteria provided, single submitter. Criteria: Invitae Variant Classification Sherloc (09022015). Collection method: clinical testing. Allele origin: germline.
Comment: This sequence change replaces glutamic acid, which is acidic and polar, with glutamine, which is neutral and polar, at codon 56 of the RBFOX3 protein (p.Glu56Gln). This variant is not present in population databases (gnomAD no frequency). This variant has not been reported in the literature in individuals affected with RBFOX3-related conditions. Invitae Evidence Modeling of protein sequence and biophysical properties (such as structural, functional, and spatial information, amino acid conservation, physicochemical variation, residue mobility, and thermodynamic stability) indicates that this missense variant is not expected to disrupt RBFOX3 protein function with a negative predictive value of 80%. In summary, the available evidence is currently insufficient to determine the role of this variant in disease. Therefore, it has been classified as a Variant of Uncertain Significance.